The following is an entry in ClinVar:

NM_004612.4(TGFBR1):c.1460G>A (p.Arg487Gln)

Gene: TGFBR1 (transforming growth factor beta receptor 1; plus strand). Cytogenetic location: 9q22.33.
Variant type: single nucleotide variant.
Coding change: c.1460G>A on transcript NM_004612.4 (MANE Select); coding-DNA position 1460, G replaced by A.
Protein change: p.Arg487Gln; replaces arginine 487 with glutamine.
Molecular consequence: missense variant.
Genome position (GRCh38, 1-based): chr9:99,149,253, G>A. VCF-style: chr9-99149253-G-A. GRCh37 (hg19) VCF-style: chr9-101911535-G-A.
Other names: p.R487Q:CGG>CAG; TBRI; c.1229G>A, p.Arg410Gln (NM_001130916.3); c.1472G>A, p.Arg491Gln (NM_001306210.2); short protein forms R487Q, R410Q, R491Q.
Identifiers: ClinVar variation 12525 (VCV000012525.48), dbSNP rs113605875, ClinGen allele CA008776.
Genomic context (GRCh38, chr9:99,149,253, plus strand): 5'-TGGCTAAAATTATGAGAGAATGTTGGTATGCCAATGGAGCAGCTAGGCTTACAGCATTGC[G>A]GATTAAGAAAACATTATCGCAACTCAGTCAACAGGAAGGCATCAAAATGTAATTCTACAG-3'
Protein context (NP_004603.1, residues 477-497): ANGAARLTAL[Arg487Gln]IKKTLSQLSQ

ClinVar aggregate classification (germline): Pathogenic. Review status: criteria provided, multiple submitters, no conflicts (2 of 4 stars). 16 submissions from 16 submitters: Pathogenic (13). 3 of the submissions do not count toward it. Last evaluated 2026-03-25.

Conditions:
TGFBR1-related disorder. Also called: TGFBR1-related condition.
Familial thoracic aortic aneurysm and aortic dissection (TAAD). Also called: Thoracic aortic aneurysms and dissections. Identifiers: Orphanet 91387, MedGen C4707243, MONDO:0019625.
Loeys-Dietz syndrome (LDS). Identifiers: Orphanet 60030, MedGen C2697932, MONDO:0018954.
Loeys-Dietz syndrome 1 (LDS1). Also called: FURLONG SYNDROME; AORTIC ANEURYSM, FAMILIAL THORACIC 5; TGFBR1-Related Loeys-Dietz Syndrome. Identifiers: Orphanet 60030, MedGen C4551955, MONDO:0012212, OMIM 609192.

Allele frequency attached by ClinVar (database versions not stated): TOPMed below 0.00001; gnomAD 0.00001.
gnomAD v4.1: 1 of 1,613,608 alleles (0.000062%); highest among the groups gnomAD compares: Non-Finnish European, 0.000085%; no homozygotes.

Submissions 1 to 9 of 16:

Women's Health and Genetics/Laboratory Corporation of America, LabCorp
Classification: Pathogenic for Loeys-Dietz syndrome. Last evaluated: 2026-03-25. Review status: criteria provided, single submitter. Criteria: LabCorp Variant Classification Summary - May 2015. Collection method: clinical testing. Allele origin: germline.
Comment: Variant summary: TGFBR1 c.1460G>A (p.Arg487Gln) results in a conservative amino acid change in the encoded protein sequence. Algorithms developed to predict the effect of missense changes on protein structure and function are either unavailable or do not agree on the potential impact of this missense change. The variant was absent in 250796 control chromosomes. c.1460G>A has been reported in the literature, including de novo occurrences, in multiple individuals affected with Loeys-Dietz Syndrome, acute aortic dissection and thoracic aortic aneurysms (e.g. Loeys_2006, Matyas_2006, Akutsu_2007, Yang_2012). These data indicate that the variant is very likely to be associated with disease. Experimental evidence evaluating an impact on protein function demonstrated the variant to result in decreased expression and impaired deposition of elastic fibers, while it also causes decreased TGF-beta signaling (e.g. Barnett_2011, Goudie_2011). The following publications have been ascertained in the context of this evaluation (PMID: 16928994, 16791849, 21267002, 17652900, 22113417, 21358634). ClinVar contains an entry for this variant (Variation ID: 12525). Based on the evidence outlined above, the variant was classified as pathogenic.

Labcorp Genetics (formerly Invitae), Labcorp
Classification: Pathogenic for Familial thoracic aortic aneurysm and aortic dissection. Last evaluated: 2026-01-10. Review status: criteria provided, single submitter. Criteria: Invitae Variant Classification Sherloc (09022015). Collection method: clinical testing. Allele origin: germline.
Comment: This sequence change replaces arginine, which is basic and polar, with glutamine, which is neutral and polar, at codon 487 of the TGFBR1 protein (p.Arg487Gln). This variant is not present in population databases (gnomAD no frequency). This missense change has been observed in individual(s) with Loeys-Dietz syndrome (PMID: 16791849, 18455604, 22113417, 23884466). In at least one individual the variant was observed to be de novo. ClinVar contains an entry for this variant (Variation ID: 12525). Invitae Evidence Modeling of protein sequence and biophysical properties (such as structural, functional, and spatial information, amino acid conservation, physicochemical variation, residue mobility, and thermodynamic stability) indicates that this missense variant is expected to disrupt TGFBR1 protein function with a positive predictive value of 80%. Experimental studies have shown that this missense change affects TGFBR1 function (PMID: 21358634). Algorithms developed to predict the effect of sequence changes on RNA splicing suggest that this variant may disrupt the consensus splice site. This variant disrupts the p.Arg487 amino acid residue in TGFBR1. Other variant(s) that disrupt this residue have been determined to be pathogenic (PMID: 15731757, 16928994, 22414221, 23884466, 25110237). This suggests that this residue is clinically significant, and that variants that disrupt this residue are likely to be disease-causing. For these reasons, this variant has been classified as Pathogenic.

3billion
Classification: Pathogenic for Loeys-Dietz syndrome 1. Last evaluated: 2025-09-30. Review status: criteria provided, single submitter. Criteria: ACMG Guidelines, 2015. Collection method: clinical testing. Allele origin: germline. Affected: yes.
Comment: The variant is observed at an extremely low frequency in the gnomAD v4.1.0 dataset (total allele frequency: <0.001%). Predicted Consequence/Location: Missense variant In silico tool predictions suggest damaging effect of the variant on gene or gene product [REVEL: 0.90 (>=0.6, sensitivity 0.68 and specificity 0.92); 3Cnet: 0.86 (> 0.75, sensitivity 0.96 and precision 0.92)]. The same nucleotide change resulting in the same amino acid change has been previously reported as pathogenic/likely pathogenic with strong evidence (ClinVar ID: VCV000012525 /PMID: 16791849). The variant has been observed in multiple (>3) similarly affected unrelated individuals (PMID: 16791849, 22113417, 25110237, 25589165). Different missense changes at the same codon (p.Arg487Gly, p.Arg487Leu, p.Arg487Pro, p.Arg487Trp) have been reported as pathogenic/likely pathogenic with strong evidence (ClinVar ID: VCV000012523, VCV000012526, VCV000390959 /PMID: 15731757, 16928994, 23884466). Therefore, this variant is classified as Pathogenic according to the recommendation of ACMG/AMP guideline.

Centre of Medical Genetics, University of Antwerp
Classification: Pathogenic for Familial thoracic aortic aneurysm and aortic dissection. Last evaluated: 2024-09-06. Review status: criteria provided, single submitter. Criteria: ACMG Guidelines, 2015. Collection method: clinical testing. Allele origin: germline. Affected: yes.
Comment: P(PS3-4; PM1-2, 5; PP3, 5)

Ambry Genetics
Classification: Pathogenic for Familial thoracic aortic aneurysm and aortic dissection. Last evaluated: 2024-09-04. Review status: criteria provided, single submitter. Criteria: Ambry Variant Classification Scheme 2023. Collection method: clinical testing. Allele origin: germline.
Comment: The p.R487Q pathogenic mutation (also known as c.1460G>A), located in coding exon 9 of the TGFBR1 gene, results from a G to A substitution at nucleotide position 1460. The arginine at codon 487 is replaced by glutamine, an amino acid with highly similar properties, and is located in the protein kinase domain. This alteration has been reported in multiple individuals reported to have Loeys-Dietz syndrome (LDS) and related features (Loeys BL et al. N Engl J Med. 2006;355:788-98; Akutsu K et al. Circ J. 2007;71:1305-9; Melenovsky V et al. J Thorac Cardiovasc Surg. 2008;135:1174-5,1175.e1; Yang JH et al. J Hum Genet. 2012;57:52-6; Wang C et al. Chin Med J. 2014;127:2398-9; Ting TW et al. Eur J Pediatr. 2014;173(3):387-91; Pieroni A et al. Intern Emerg Med. 2015;10:165-70). In addition, this alteration was reported as a de novo occurrence in an individual with aortic dissection (M&aacute;ty&aacute;s G et al. Hum Mutat. 2006;27:760-9), and has been reported to result in altered protein function (Goudie DR et al. Nat Genet. 2011;43:365-9). This variant is considered to be rare based on population cohorts in the Genome Aggregation Database (gnomAD). In addition, this alteration is predicted to be deleterious by in silico analysis. Based on the supporting evidence, this variant is pathogenic for TGFBR1-related Loeys-Dietz syndrome; however, the association of this variant with an increased risk of multiple self-healing squamous epithelioma (MSSE) is unknown.

CeGaT Center for Human Genetics Tuebingen
Classification: Pathogenic. Last evaluated: 2024-02-01. Review status: criteria provided, single submitter. Criteria: CeGaT Center For Human Genetics Tuebingen Variant Classification Criteria Version 2. Collection method: clinical testing. Allele origin: germline. Affected: yes. Observed: 1 variant allele.
Comment: TGFBR1: PM1, PM2, PM5, PM6, PS4:Moderate, PP3, PS3:Supporting

Laboratory of Medical Genetics, National & Kapodistrian University of Athens
Classification: Pathogenic for Loeys-Dietz syndrome 1. Last evaluated: 2023-11-01. Review status: criteria provided, single submitter. Criteria: ACMG Guidelines, 2015. Collection method: clinical testing. Allele origin: germline. Affected: yes.
Comment: PS4, PM1, PM2, PM5, PP3, PP5 - The variant has been reported in ClinVar as Pathogenic by other laboratories (Variation ID 527177). This variant has been previously reported as causative for Marfan syndrome. (PMID:25652356).

GeneDx
Classification: Pathogenic. Last evaluated: 2022-03-28. Review status: criteria provided, single submitter. Criteria: GeneDx Variant Classification Process June 2021. Collection method: clinical testing. Allele origin: germline. Affected: yes.
Comment: Not observed at significant frequency in large population cohorts (gnomAD); Published functional studies demonstrate reduced elastin and fibulin 1 expression, impaired deposition of elastic fibers, and impaired TGF-beta signaling (Barnett et al., 2011; Goudie et al., 2011); In silico analysis supports that this missense variant has a deleterious effect on protein structure/function; This variant is associated with the following publications: (PMID: 23884466, 27879313, 22113417, 21267002, 17061023, 24146167, 16928994, 18455604, 25116393, 17652900, 21358634, 29907982, 24931266, 30219046, 31915033, 32352226, 16791849)

Laboratorio de Genetica e Diagnostico Molecular, Hospital Israelita Albert Einstein
Classification: Pathogenic for Loeys-Dietz syndrome 1. Last evaluated: 2021-10-20. Review status: criteria provided, single submitter. Criteria: ACMG Guidelines, 2015. Collection method: clinical testing. Allele origin: germline. Affected: yes.
Comment: ACMG classification criteria: PS2 strong, PS3 supporting, PS4 moderate, PM2 moderate, PM5, PP3 supporting